The following is an entry in ClinVar:

ClinVar aggregate classification (germline): Conflicting classifications of pathogenicity. Review status: criteria provided, conflicting classifications (1 of 4 stars). 3 submissions from 3 submitters: Uncertain significance (2); Likely benign (1). Last evaluated 2025-10-03.

Conditions:
Inborn genetic diseases. Identifiers: MedGen C0950123, MeSH D030342.
Pulmonary fibrosis and/or bone marrow failure, Telomere-related, 3. Also called: PULMONARY FIBROSIS AND/OR BONE MARROW FAILURE SYNDROME, TELOMERE-RELATED, 3. Identifiers: Orphanet 2032, MedGen C4225346, MONDO:0014613, OMIM 616373.
Dyskeratosis congenita, autosomal recessive 5 (DKCB5). Identifiers: MedGen C3554656, MONDO:0014076, OMIM 615190.

gnomAD v4.1: 24 of 1,612,088 alleles (0.0015%); highest among the groups gnomAD compares: East Asian, 0.042%; no homozygotes.

Submissions (3):

Labcorp Genetics (formerly Invitae), Labcorp
Classification: Uncertain significance for Dyskeratosis congenita, autosomal recessive 5; Pulmonary fibrosis and/or bone marrow failure, Telomere-related, 3. Last evaluated: 2025-10-03. Review status: criteria provided, single submitter. Criteria: Invitae Variant Classification Sherloc (09022015). Collection method: clinical testing. Allele origin: germline.
Comment: This sequence change replaces serine, which is neutral and polar, with glycine, which is neutral and non-polar, at codon 1117 of the RTEL1 protein (p.Ser1117Gly). This variant is not present in population databases (gnomAD no frequency). This variant has not been reported in the literature in individuals affected with RTEL1-related conditions. ClinVar contains an entry for this variant (Variation ID: 3761943). An algorithm developed to predict the effect of missense changes on protein structure and function outputs the following: PolyPhen-2: "Benign". The glycine amino acid residue is found in multiple mammalian species, which suggests that this missense change does not adversely affect protein function. In summary, the available evidence is currently insufficient to determine the role of this variant in disease. Therefore, it has been classified as a Variant of Uncertain Significance.

CeGaT Center for Human Genetics Tuebingen
Classification: Uncertain significance. Last evaluated: 2025-08-01. Review status: criteria provided, single submitter. Criteria: CeGaT Center For Human Genetics Tuebingen Variant Classification Criteria Version 2. Collection method: clinical testing. Allele origin: germline. Affected: yes. Observed: 1 variant allele.
Comment: RTEL1: PM2, BP4

Ambry Genetics
Classification: Likely benign for Inborn genetic diseases. Last evaluated: 2025-06-12. Review status: criteria provided, single submitter. Criteria: Ambry Variant Classification Scheme 2023. Collection method: clinical testing. Allele origin: germline.

NM_001283009.2(RTEL1):c.3349A>G (p.Ser1117Gly)

Genes: RTEL1-TNFRSF6B (RTEL1-TNFRSF6B readthrough (NMD candidate); plus strand), RTEL1 (regulator of telomere elongation helicase 1; plus strand). Cytogenetic location: 20q13.33.
Variant type: single nucleotide variant.
Coding change: c.3349A>G on transcript NM_001283009.2 (MANE Select); coding-DNA position 3349, A replaced by G.
Protein change: p.Ser1117Gly; replaces serine 1117 with glycine.
Molecular consequence: missense variant. On other transcripts: non-coding transcript variant (1).
Genome position (GRCh38, 1-based): chr20:63,695,071, A>G. VCF-style: chr20-63695071-A-G. GRCh37 (hg19) VCF-style: chr20-62326424-A-G.
Other names: c.2680A>G, p.Ser894Gly (NM_001283010.1); c.3349A>G, p.Ser1117Gly (NM_016434.4); c.3421A>G, p.Ser1141Gly (NM_032957.5); short protein forms S1117G, S1141G, S894G.
Identifiers: ClinVar variation 3761943 (VCV003761943.11).